The following is an entry in ClinVar:

NM_001378454.1(ALMS1):c.9609G>T (p.Gln3203His)

Gene: ALMS1 (ALMS1 centrosome and basal body associated protein; plus strand). Cytogenetic location: 2p13.1.
Variant type: single nucleotide variant.
Coding change: c.9609G>T on transcript NM_001378454.1 (MANE Select); coding-DNA position 9609, G replaced by T.
Protein change: p.Gln3203His; replaces glutamine 3203 with histidine.
Molecular consequence: missense variant.
Genome position (GRCh38, 1-based): chr2:73,519,844, G>T. VCF-style: chr2-73519844-G-T. GRCh37 (hg19) VCF-style: chr2-73746971-G-T.
Other names: c.9612G>T, p.Gln3204His (NM_015120.4); short protein forms Q3204H, Q3203H.
Identifiers: ClinVar variation 4701266 (VCV004701266.1).

ClinVar aggregate classification (germline): Uncertain significance (1 of 4 stars; one submission).

Conditions:
Alstrom syndrome (ALMS). Identifiers: Orphanet 64, MedGen C0268425, MONDO:0008763, OMIM 203800.

gnomAD v4.1: 1 of 1,614,018 alleles (0.000062%); highest among the groups gnomAD compares: East Asian, 0.0022%; no homozygotes.

Submission:

Labcorp Genetics (formerly Invitae), Labcorp
Classification: Uncertain significance for Alstrom syndrome. Last evaluated: 2025-02-20. Review status: criteria provided, single submitter. Criteria: Invitae Variant Classification Sherloc (09022015). Collection method: clinical testing. Allele origin: germline.
Comment: This sequence change replaces glutamine, which is neutral and polar, with histidine, which is basic and polar, at codon 3204 of the ALMS1 protein (p.Gln3204His). This variant is not present in population databases (gnomAD no frequency). This variant has not been reported in the literature in individuals affected with ALMS1-related conditions. Experimental studies and prediction algorithms are not available or were not evaluated, and the functional significance of this variant is currently unknown. In summary, the available evidence is currently insufficient to determine the role of this variant in disease. Therefore, it has been classified as a Variant of Uncertain Significance.